The following is an entry in ClinVar:

ClinVar aggregate classification (germline): Pathogenic. Review status: criteria provided, single submitter (1 of 4 stars). 2 submissions from 2 submitters: Pathogenic (1). 1 of the submissions does not count toward it. Last evaluated 2020-08-24.

Conditions:
Marfan syndrome (MFS). Also called: Marfan syndrome type 1; Marfan syndrome, classic; Marfan's syndrome; FBN1-Related Marfan Syndrome; MARFAN SYNDROME, TYPE I. Identifiers: Orphanet 284963, Orphanet 558, MedGen C0024796, MONDO:0007947, OMIM 154700.

Submissions (2):

Laboratory for Molecular Medicine, Mass General Brigham Personalized Medicine
Classification: Pathogenic for Marfan syndrome. Last evaluated: 2020-08-24. Review status: criteria provided, single submitter. Criteria: ACMG Guidelines, 2015. Collection method: clinical testing. Allele origin: germline.
Comment: The c.1837+2T>C variant in FBN1 has been identified in one individual with Marfan syndrome (Xu 2020 PubMed: 31830381) and was absent from large population studies. This variant is reported in ClinVar (allele ID: 539856). This variant occurs within the canonical splice site (+/- 1,2) and is predicted to cause altered splicing leading to an abnormal or absent protein. Loss of function of the FBN1 gene is an established disease mechanism in Marfan syndrome. In summary, this variant meets criteria to be classified as pathogenic for autosomal dominant Marfan syndrome. ACMG/AMP Criteria applied: PVS1; PM2; PS4_Supporting.

Center for Medical Genetics Ghent, University of Ghent
Classification: Pathogenic for Marfan syndrome. Last evaluated: 2017-11-07. Review status: no assertion criteria provided. Collection method: clinical testing. Allele origin: de novo. Affected: yes. Not counted in ClinVar's aggregate classification.

NM_000138.5(FBN1):c.1837+2T>C

Gene: FBN1 (fibrillin 1; minus strand). Cytogenetic location: 15q21.1.
Variant type: single nucleotide variant.
Coding change: c.1837+2T>C on transcript NM_000138.5 (MANE Select); the canonical splice donor site of the intron after coding-DNA position 1837, T replaced by C.
Molecular consequence: splice donor variant.
Genome position (GRCh38, 1-based): chr15:48,508,580, A>G on the plus strand (T>C on the coding strand, the complement: FBN1 is on the minus strand). VCF-style: chr15-48508580-A-G. GRCh37 (hg19) VCF-style: chr15-48800777-A-G.
Other names: c.1837+2T>C (NM_001406716.1).
Identifiers: ClinVar variation 549051 (VCV000549051.2), dbSNP rs1555399940, ClinGen allele CA392340129.
Genomic context (GRCh38, chr15:48,508,580, plus strand): 5'-AAACAACATAAGGAGGAGAAAAGGCACGTGAAGAACATGATCTAGGGTTTTATAGCACGA[A>G]CCTTTGCAATAACGTCCATCTGATGCCAGCTGGAATCCAGGTTTGCAAATACATTTAAAA-3'